The following is an entry in ClinVar:

NM_001367943.1(TCF7L2):c.1766T>C (p.Ile589Thr)

Gene: TCF7L2 (transcription factor 7 like 2; plus strand). Cytogenetic location: 10q25.3.
Variant type: single nucleotide variant.
Coding change: c.1766T>C on transcript NM_001367943.1 (MANE Select); coding-DNA position 1766, T replaced by C.
Protein change: p.Ile589Thr; replaces isoleucine 589 with threonine.
Molecular consequence: missense variant. On other transcripts: 3 prime UTR variant (12).
Genome position (GRCh38, 1-based): chr10:113,165,878, T>C. VCF-style: chr10-113165878-T-C. GRCh37 (hg19) VCF-style: chr10-114925637-T-C.
Other names: c.1715T>C, p.Ile572Thr (NM_001146274.2); c.*244T>C (NM_001146283.2, NM_001146284.2, NM_001146286.2 and 4 more transcripts); c.1646T>C, p.Ile549Thr (NM_001146285.2, NM_001198526.2); c.*354T>C (NM_001198525.2); c.*342T>C (NM_001198527.2, NM_001198528.2, NM_001349870.2 and 1 more transcripts); c.1697T>C, p.Ile566Thr (NM_030756.5); short protein forms I589T, I566T, I572T, I549T.
Identifiers: ClinVar variation 1984248 (VCV001984248.4), dbSNP rs540099279, ClinGen allele CA5693355.
Genomic context (GRCh38, chr10:113,165,878, plus strand): 5'-CCAACGGGGCCCTGGACCTGCCCCCAGCCGCTTTGCAGCCTGCCGCCCCCTCCTCATCAA[T>C]TGCACAGCCGTCGACTTCTTCCTTACATTCCCACAGCTCCCTGGCCGGGACCCAGCCCCA-3'
Protein context (NP_001354872.1, residues 579-599): ALQPAAPSSS[Ile589Thr]AQPSTSSLHS

ClinVar aggregate classification (germline): Uncertain significance (1 of 4 stars; one submission).

Allele frequency attached by ClinVar (database versions not stated): ExAC 0.00001; gnomAD 0.00001; gnomAD exomes 0.00001; 1000 Genomes Project 30x 0.00016; 1000 Genomes Project 0.00020.
gnomAD v4.1: 11 of 1,606,066 alleles (0.00068%); highest among the groups gnomAD compares: Admixed American, 0.012%; no homozygotes.

Submission:

Labcorp Genetics (formerly Invitae), Labcorp
Classification: Uncertain significance. Last evaluated: 2022-07-27. Review status: criteria provided, single submitter. Criteria: Invitae Variant Classification Sherloc (09022015). Collection method: clinical testing. Allele origin: germline.
Comment: Algorithms developed to predict the effect of missense changes on protein structure and function are either unavailable or do not agree on the potential impact of this missense change (SIFT: "Deleterious"; PolyPhen-2: "Benign"; Align-GVGD: "Class C0"). This variant has not been reported in the literature in individuals affected with TCF7L2-related conditions. This variant is present in population databases (rs540099279, gnomAD 0.003%). This sequence change replaces isoleucine, which is neutral and non-polar, with threonine, which is neutral and polar, at codon 566 of the TCF7L2 protein (p.Ile566Thr). In summary, the available evidence is currently insufficient to determine the role of this variant in disease. Therefore, it has been classified as a Variant of Uncertain Significance.